The following is an entry in ClinVar:

NM_001371928.1(AHDC1):c.3802C>T (p.Pro1268Ser)

Gene: AHDC1 (AT-hook DNA binding motif containing 1; minus strand). Cytogenetic location: 1p36.11.
Variant type: single nucleotide variant.
Coding change: c.3802C>T on transcript NM_001371928.1 (MANE Select); coding-DNA position 3802, C replaced by T.
Protein change: p.Pro1268Ser; replaces proline 1268 with serine.
Molecular consequence: missense variant.
Genome position (GRCh38, 1-based): chr1:27,548,314, G>A on the plus strand (C>T on the coding strand, the complement: AHDC1 is on the minus strand). VCF-style: chr1-27548314-G-A. GRCh37 (hg19) VCF-style: chr1-27874825-G-A.
Other names: c.3802C>T, p.Pro1268Ser (NM_001029882.3); c.-242C>T (NM_015699.1); short protein forms P1268S.
Identifiers: ClinVar variation 1990391 (VCV001990391.4), dbSNP rs747470051, ClinGen allele CA715489.

ClinVar aggregate classification (germline): Uncertain significance (1 of 4 stars; one submission).

Allele frequency attached by ClinVar (database versions not stated): gnomAD exomes below 0.00001; ExAC 0.00001.
gnomAD v4.1: 2 of 1,606,512 alleles (0.00012%); highest among the groups gnomAD compares: Non-Finnish European, 0.00017%; no homozygotes.

Submission:

Labcorp Genetics (formerly Invitae), Labcorp
Classification: Uncertain significance. Last evaluated: 2022-01-07. Review status: criteria provided, single submitter. Criteria: Invitae Variant Classification Sherloc (09022015). Collection method: clinical testing. Allele origin: germline.
Comment: In summary, the available evidence is currently insufficient to determine the role of this variant in disease. Therefore, it has been classified as a Variant of Uncertain Significance. Algorithms developed to predict the effect of missense changes on protein structure and function are either unavailable or do not agree on the potential impact of this missense change (SIFT: "Tolerated"; PolyPhen-2: "Possibly Damaging"; Align-GVGD: "Class C0"). This variant has not been reported in the literature in individuals affected with AHDC1-related conditions. This variant is present in population databases (rs747470051, gnomAD 0.0009%). This sequence change replaces proline, which is neutral and non-polar, with serine, which is neutral and polar, at codon 1268 of the AHDC1 protein (p.Pro1268Ser).